The following is an entry in ClinVar:

ClinVar aggregate classification (germline): Uncertain significance (1 of 4 stars; one submission).

Conditions:
Walker-Warburg congenital muscular dystrophy. Also called: Muscular dystrophy-dystroglycanopathy, type A; Walker-Warburg syndrome. Identifiers: Orphanet 899, MedGen C0265221, MONDO:0000171.

Submission:

Labcorp Genetics (formerly Invitae), Labcorp
Classification: Uncertain significance for Walker-Warburg congenital muscular dystrophy. Last evaluated: 2023-07-07. Review status: criteria provided, single submitter. Criteria: Invitae Variant Classification Sherloc (09022015). Collection method: clinical testing. Allele origin: germline.
Comment: An algorithm developed to predict the effect of missense changes on protein structure and function (PolyPhen-2) suggests that this variant is likely to be tolerated. ClinVar contains an entry for this variant (Variation ID: 1513335). This sequence change replaces alanine, which is neutral and non-polar, with asparagine, which is neutral and polar, at codon 187 of the FKRP protein (p.Ala187Asn). Information on the frequency of this variant in the gnomAD database is not available, as this variant may be reported differently in the database. This variant has not been reported in the literature in individuals affected with FKRP-related conditions. In summary, the available evidence is currently insufficient to determine the role of this variant in disease. Therefore, it has been classified as a Variant of Uncertain Significance.

NM_024301.5(FKRP):c.559_560delinsAA (p.Ala187Asn)

Gene: FKRP (fukutin related protein; plus strand). Cytogenetic location: 19q13.32.
Variant type: Indel.
Coding change: c.559_560delinsAA on transcript NM_024301.5 (MANE Select); coding-DNA positions 559 to 560, GC replaced by AA.
Protein change: p.Ala187Asn; replaces alanine 187 with asparagine.
Molecular consequence: missense variant.
Genome position (GRCh38, 1-based): chr19:46,756,009-46,756,010, GC replaced by AA. VCF-style: chr19-46756009-GC-AA. GRCh37 (hg19) VCF-style: chr19-47259266-GC-AA.
Other names: c.559_560delinsAA, p.Ala187Asn (NM_001039885.3); short protein forms A187N.
Identifiers: ClinVar variation 1513335 (VCV001513335.6), dbSNP rs2122618398, ClinGen allele CA2573156476.
Genomic context (GRCh38, chr19:46,756,009, plus strand): 5'-AGGTGCCTGGCCCTGAACGTCAGCCTGCGAGAGTGGACCGCCCGCTATGGCGCAGCCCCC[GC>AA]CGCGCCCCGCTGCGACGCCCTGGACGGAGATGCTGTGGTGCTCCTGCGCGCCCGCGACCT-3'
Protein context (NP_077277.1, residues 177-197): EWTARYGAAP[Ala187Asn]APRCDALDGD